The following is an entry in ClinVar:

NM_014363.6(SACS):c.1989G>T (p.Leu663=)

Gene: SACS (sacsin molecular chaperone; minus strand). Cytogenetic location: 13q12.12.
Variant type: single nucleotide variant.
Coding change: c.1989G>T on transcript NM_014363.6 (MANE Select); coding-DNA position 1989, G replaced by T.
Protein change: p.Leu663=; no amino-acid change (leucine 663 retained).
Molecular consequence: synonymous variant.
Genome position (GRCh38, 1-based): chr13:23,354,623, C>A on the plus strand (G>T on the coding strand, the complement: SACS is on the minus strand). VCF-style: chr13-23354623-C-A. GRCh37 (hg19) VCF-style: chr13-23928762-C-A.
Other names: c.1548G>T, p.Leu516= (NM_001278055.2).
Identifiers: ClinVar variation 699407 (VCV000699407.12), dbSNP rs942220473, ClinGen allele CA246676970.

ClinVar aggregate classification (germline): Likely benign. Review status: criteria provided, single submitter (1 of 4 stars). 2 submissions from 2 submitters: Likely benign (1). 1 of the submissions does not count toward it. Last evaluated 2025-07-03.

Conditions:
SACS-related disorder. Also called: SACS-related condition.
Spastic paraplegia. Identifiers: MedGen C0037772, HP:0001258.

Allele frequency attached by ClinVar (database versions not stated): gnomAD exomes below 0.00001; TOPMed 0.00002.
gnomAD v4.1: 6 of 1,614,232 alleles (0.00037%); highest among the groups gnomAD compares: East Asian, 0.0045%; no homozygotes.

Submissions (2):

Labcorp Genetics (formerly Invitae), Labcorp
Classification: Likely benign for Spastic paraplegia. Last evaluated: 2025-07-03. Review status: criteria provided, single submitter. Criteria: Invitae Variant Classification Sherloc (09022015). Collection method: clinical testing. Allele origin: germline.

PreventionGenetics, part of Exact Sciences
Classification: Likely benign for SACS-related condition. Last evaluated: 2019-02-28. Review status: no assertion criteria provided. Collection method: clinical testing. Allele origin: germline. Not counted in ClinVar's aggregate classification.
Comment: This variant is classified as likely benign based on ACMG/AMP sequence variant interpretation guidelines (Richards et al. 2015 PMID: 25741868, with internal and published modifications).